The following is an entry in ClinVar:

NM_000384.3(APOB):c.5481A>G (p.Leu1827=)

Gene: APOB (apolipoprotein B; minus strand). Cytogenetic location: 2p24.1.
Variant type: single nucleotide variant.
Coding change: c.5481A>G on transcript NM_000384.3 (MANE Select); coding-DNA position 5481, A replaced by G.
Protein change: p.Leu1827=; no amino-acid change (leucine 1827 retained).
Molecular consequence: synonymous variant.
Genome position (GRCh38, 1-based): chr2:21,011,387, T>C on the plus strand (A>G on the coding strand, the complement: APOB is on the minus strand). VCF-style: chr2-21011387-T-C. GRCh37 (hg19) VCF-style: chr2-21234259-T-C.
Other names: c.5481A>G (NM_000384.2).
Identifiers: ClinVar variation 1542567 (VCV001542567.10), dbSNP rs2103358343, ClinGen allele CA425346300.
Genomic context (GRCh38, chr2:21,011,387, plus strand): 5'-TAAGGCAGCAGAAGAGATGGCATAGATGTGTTTTATTTCATTATTTTGGTAGGCTCCTTT[T>C]AGGTTACCAGCCACATGCAGCTTCAGGGGTTCTAGCCGTAGTTTCCCATTGTTGGTGAGA-3'
Protein context (NP_000375.3, residues 1817-1837): EPLKLHVAGN[Leu1827=]KGAYQNNEIK

ClinVar aggregate classification (germline): Likely benign. Review status: criteria provided, multiple submitters, no conflicts (2 of 4 stars). 3 submissions from 3 submitters: Likely benign (3). Last evaluated 2025-07-16.

Conditions:
Familial hypobetalipoproteinemia 1. Also called: APOB-Related Familial Hypobetalipoproteinemia; Hypobetalipoproteinemia, normotriglyceridemic; Acanthocytosis with hypobetalipoproteinemia. Identifiers: MedGen C4551990, MONDO:0014252, OMIM 615558.
Hypercholesterolemia, autosomal dominant, type B (FHCL2). Also called: Familial Hypercholesterolemia Type B; APOLIPOPROTEIN B-100, FAMILIAL DEFECTIVE; APOLIPOPROTEIN B-100, FAMILIAL LIGAND-DEFECTIVE; HYPERCHOLESTEROLEMIA, FAMILIAL, DUE TO LIGAND-DEFECTIVE APOLIPOPROTEIN B; APOB-Related Familial Hypercholesterolemia, Autosomal Dominant; Familial hypercholesterolemia 2. Identifiers: MedGen C1704417, MONDO:0007751, OMIM 144010.
Cardiovascular phenotype. Identifiers: MedGen CN230736.
Familial hypercholesterolemia. Also called: Familial hypercholesterolaemia; Familial hypercholesterolemias. Identifiers: MedGen C0020445, MONDO:0005439.

Submissions (3):

GENinCode PLC
Classification: Likely benign for Familial hypercholesterolemia. Last evaluated: 2025-07-16. Review status: criteria provided, single submitter. Criteria: ACMG Guidelines, 2015. Collection method: clinical testing. Allele origin: germline.
Comment: This is a synonymous (silent) variant that is not predicted to impact splicing and occurs at a nucleotide which is not highly conserved. This variant has been classified as Likely Benign (BP4, BP7).

Ambry Genetics
Classification: Likely benign for Cardiovascular phenotype. Last evaluated: 2023-02-11. Review status: criteria provided, single submitter. Criteria: Ambry Variant Classification Scheme 2023. Collection method: clinical testing. Allele origin: germline.

Labcorp Genetics (formerly Invitae), Labcorp
Classification: Likely benign for Familial hypobetalipoproteinemia 1; Hypercholesterolemia, autosomal dominant, type B. Last evaluated: 2022-09-16. Review status: criteria provided, single submitter. Criteria: Invitae Variant Classification Sherloc (09022015). Collection method: clinical testing. Allele origin: germline.